The following is an entry in ClinVar:

ClinVar aggregate classification (germline): Conflicting classifications of pathogenicity. Review status: criteria provided, conflicting classifications (1 of 4 stars). 5 submissions from 5 submitters: Uncertain significance (3); Likely benign (1). 1 of the submissions does not count toward it. Last evaluated 2025-12-16.

Conditions:
LRP2-related disorder. Also called: LRP2-related condition.
Inborn genetic diseases. Identifiers: MedGen C0950123, MeSH D030342.
Donnai-Barrow syndrome. Also called: DBS/FOAR SYNDROME; FACIOOCULOACOUSTICORENAL SYNDROME. Identifiers: Orphanet 2143, MedGen C1857277, MONDO:0009104, OMIM 222448.

Allele frequency attached by ClinVar (database versions not stated): TOPMed 0.00007; ESP Exome Variant Server 0.00008; gnomAD 0.00009; ExAC 0.00010; gnomAD exomes 0.00010.
gnomAD v4.1: 161 of 1,613,972 alleles (0.01%); highest among the groups gnomAD compares: Non-Finnish European, 0.012%; no homozygotes.

Submissions (5):

Labcorp Genetics (formerly Invitae), Labcorp
Classification: Likely benign. Last evaluated: 2025-12-16. Review status: criteria provided, single submitter. Criteria: Invitae Variant Classification Sherloc (09022015). Collection method: clinical testing. Allele origin: germline.

Ambry Genetics
Classification: Uncertain significance for Inborn genetic diseases. Last evaluated: 2024-03-28. Review status: criteria provided, single submitter. Criteria: Ambry Variant Classification Scheme 2023. Collection method: clinical testing. Allele origin: germline.

GeneDx
Classification: Uncertain significance. Last evaluated: 2023-12-20. Review status: criteria provided, single submitter. Criteria: GeneDx Variant Classification Process June 2021. Collection method: clinical testing. Allele origin: germline. Affected: yes.
Comment: In silico analysis supports that this missense variant does not alter protein structure/function; Has not been previously published as pathogenic or benign to our knowledge; In silico analysis suggests this variant may impact gene splicing. In the absence of RNA/functional studies, the actual effect of this sequence change is unknown.

Illumina Laboratory Services, Illumina
Classification: Uncertain significance for Donnai-Barrow syndrome. Last evaluated: 2018-01-13. Review status: criteria provided, single submitter. Criteria: ICSL Variant Classification Criteria 13 December 2019. Collection method: clinical testing. Allele origin: germline.

PreventionGenetics, part of Exact Sciences
Classification: Uncertain significance for LRP2-related condition. Last evaluated: 2024-01-11. Review status: no assertion criteria provided. Collection method: clinical testing. Allele origin: germline. Not counted in ClinVar's aggregate classification.
Comment: The LRP2 c.7284T>G variant is predicted to result in the amino acid substitution p.Ser2428Arg. To our knowledge, this variant has not been reported in the literature. This variant is reported in 0.018% of alleles in individuals of European (Non-Finnish) descent in gnomAD. At this time, the clinical significance of this variant is uncertain due to the absence of conclusive functional and genetic evidence.

NM_004525.3(LRP2):c.7284T>G (p.Ser2428Arg)

Gene: LRP2 (LDL receptor related protein 2; minus strand). Cytogenetic location: 2q31.1.
Variant type: single nucleotide variant.
Coding change: c.7284T>G on transcript NM_004525.3 (MANE Select); coding-DNA position 7284, T replaced by G.
Protein change: p.Ser2428Arg; replaces serine 2428 with arginine.
Molecular consequence: missense variant.
Genome position (GRCh38, 1-based): chr2:169,206,436, A>C on the plus strand (T>G on the coding strand, the complement: LRP2 is on the minus strand). VCF-style: chr2-169206436-A-C. GRCh37 (hg19) VCF-style: chr2-170062946-A-C.
Other names: short protein forms S2428R.
Identifiers: ClinVar variation 892722 (VCV000892722.16), dbSNP rs373362950, ClinGen allele CA1954144.